The following is an entry in ClinVar:

NM_000066.4(C8B):c.1606G>A (p.Val536Ile)

Gene: C8B (complement C8 beta chain; minus strand). Cytogenetic location: 1p32.2.
Variant type: single nucleotide variant.
Coding change: c.1606G>A on transcript NM_000066.4 (MANE Select); coding-DNA position 1606, G replaced by A.
Protein change: p.Val536Ile; replaces valine 536 with isoleucine.
Molecular consequence: missense variant.
Genome position (GRCh38, 1-based): chr1:56,931,825, C>T on the plus strand (G>A on the coding strand, the complement: C8B is on the minus strand). VCF-style: chr1-56931825-C-T. GRCh37 (hg19) VCF-style: chr1-57397498-C-T.
Other names: c.1606G>A (NM_000066.2); c.1450G>A, p.Val484Ile (NM_001278543.2); c.1420G>A, p.Val474Ile (NM_001278544.2); short protein forms V484I, V474I, V536I.
Identifiers: ClinVar variation 1507317 (VCV001507317.9), dbSNP rs377623911, ClinGen allele CA875587.

ClinVar aggregate classification (germline): Conflicting classifications of pathogenicity. Review status: criteria provided, conflicting classifications (1 of 4 stars). 4 submissions from 4 submitters: Uncertain significance (2); Likely benign (2). Last evaluated 2025-10-09.

Conditions:
Type II complement component 8 deficiency. Also called: COMPLEMENT C8 DEFICIENCY, TYPE II; C8 BETA DEFICIENCY; C8B DEFICIENCY; COMPLEMENT COMPONENT 8B DEFICIENCY. Identifiers: MedGen C3151080, MONDO:0013421, OMIM 613789.
Inborn genetic diseases. Identifiers: MedGen C0950123, MeSH D030342.

Allele frequency attached by ClinVar (database versions not stated): gnomAD 0.00002; gnomAD exomes 0.00003 and 0.00004; TOPMed 0.00003; ExAC 0.00005; ESP Exome Variant Server 0.00008.
gnomAD v4.1: 62 of 1,610,660 alleles (0.0038%); highest among the groups gnomAD compares: Non-Finnish European, 0.0053%; no homozygotes.

Submissions (4):

Labcorp Genetics (formerly Invitae), Labcorp
Classification: Uncertain significance. Last evaluated: 2025-10-09. Review status: criteria provided, single submitter. Criteria: Invitae Variant Classification Sherloc (09022015). Collection method: clinical testing. Allele origin: germline.
Comment: This sequence change replaces valine, which is neutral and non-polar, with isoleucine, which is neutral and non-polar, at codon 536 of the C8B protein (p.Val536Ile). This variant is present in population databases (rs377623911, gnomAD 0.006%). This variant has not been reported in the literature in individuals affected with C8B-related conditions. ClinVar contains an entry for this variant (Variation ID: 1507317). An algorithm developed to predict the effect of missense changes on protein structure and function outputs the following: PolyPhen-2: "Benign". The isoleucine amino acid residue is found in multiple mammalian species, which suggests that this missense change does not adversely affect protein function. In summary, the available evidence is currently insufficient to determine the role of this variant in disease. Therefore, it has been classified as a Variant of Uncertain Significance.

Ambry Genetics
Classification: Likely benign for Inborn genetic diseases. Last evaluated: 2025-08-05. Review status: criteria provided, single submitter. Criteria: Ambry Variant Classification Scheme 2023. Collection method: clinical testing. Allele origin: germline.

Blueprint Genetics
Classification: Likely benign. Last evaluated: 2024-06-17. Review status: criteria provided, single submitter. Criteria: ACMG Guidelines, 2015. Collection method: clinical testing. Allele origin: germline.

Fulgent Genetics
Classification: Uncertain significance for Type II complement component 8 deficiency. Last evaluated: 2021-10-18. Review status: criteria provided, single submitter. Criteria: ACMG Guidelines, 2015. Collection method: clinical testing. Allele origin: unknown.